The following is an entry in ClinVar:

NM_005359.6(SMAD4):c.1448-9T>A

Gene: SMAD4 (SMAD family member 4; plus strand). Cytogenetic location: 18q21.2.
Variant type: single nucleotide variant.
Coding change: c.1448-9T>A on transcript NM_005359.6 (MANE Select); 9 bases into the intron before coding-DNA position 1448, T replaced by A.
Molecular consequence: intron variant.
Genome position (GRCh38, 1-based): chr18:51,078,247, T>A. VCF-style: chr18-51078247-T-A. GRCh37 (hg19) VCF-style: chr18-48604617-T-A.
Identifiers: ClinVar variation 922644 (VCV000922644.15), dbSNP rs770799201, ClinGen allele CA913188917.

ClinVar aggregate classification (germline): Conflicting classifications of pathogenicity. Review status: criteria provided, conflicting classifications (1 of 4 stars). 3 submissions from 3 submitters: Uncertain significance (1); Likely benign (2). Last evaluated 2021-10-14.

Conditions:
Juvenile polyposis syndrome (JPS). Identifiers: Orphanet 2929, MedGen C0345893, MONDO:0017380, OMIM 174900.
Hereditary cancer-predisposing syndrome. Also called: Hereditary Cancer Syndrome; Hereditary neoplastic syndrome; Neoplastic Syndromes, Hereditary; Tumor predisposition. Identifiers: Orphanet 140162, MedGen C0027672, MeSH D009386, MONDO:0015356.

Submissions (3):

Labcorp Genetics (formerly Invitae), Labcorp
Classification: Likely benign for Juvenile polyposis syndrome. Last evaluated: 2021-10-14. Review status: criteria provided, single submitter. Criteria: Invitae Variant Classification Sherloc (09022015). Collection method: clinical testing. Allele origin: germline.

Color Diagnostics, LLC DBA Color Health
Classification: Uncertain significance for Hereditary cancer-predisposing syndrome. Last evaluated: 2021-09-07. Review status: criteria provided, single submitter. Criteria: ACMG Guidelines, 2015. Collection method: clinical testing. Allele origin: germline.
Comment: This variant causes a T to A nucleotide substitution at the -9 position of intron 11 of the SMAD4 gene, changing a pyrimidine nucleotide to a purine in the polypyrimidine tract. To our knowledge, functional studies have not been reported for this variant. This variant has not been reported in individuals affected with hereditary cancer in the literature. This variant has not been identified in the general population by the Genome Aggregation Database (gnomAD). The available evidence is insufficient to determine the role of this variant in disease conclusively. Therefore, this variant is classified as a Variant of Uncertain Significance.

GeneDx
Classification: Likely benign. Last evaluated: 2021-02-18. Review status: criteria provided, single submitter. Criteria: GeneDx Variant Classification Process June 2021. Collection method: clinical testing. Allele origin: germline. Affected: yes.